The following is an entry in ClinVar:

NM_023067.4(FOXL2):c.283A>T (p.Lys95Ter)

Gene: FOXL2 (forkhead box L2; minus strand). Cytogenetic location: 3q22.3.
Variant type: single nucleotide variant.
Coding change: c.283A>T on transcript NM_023067.4 (MANE Select); coding-DNA position 283, A replaced by T.
Protein change: p.Lys95Ter; replaces lysine 95 with a stop codon.
Molecular consequence: nonsense.
Genome position (GRCh38, 1-based): chr3:138,946,440, T>A on the plus strand (A>T on the coding strand, the complement: FOXL2 is on the minus strand). VCF-style: chr3-138946440-T-A. GRCh37 (hg19) VCF-style: chr3-138665282-T-A.
Other names: short protein forms K95*.
Identifiers: ClinVar variation 2760710 (VCV002760710.3), dbSNP rs2107744774, ClinGen allele CA354707017.

ClinVar aggregate classification (germline): Pathogenic (1 of 4 stars; one submission).

Submission:

Labcorp Genetics (formerly Invitae), Labcorp
Classification: Pathogenic. Last evaluated: 2023-09-14. Review status: criteria provided, single submitter. Criteria: Invitae Variant Classification Sherloc (09022015). Collection method: clinical testing. Allele origin: germline.
Comment: This sequence change creates a premature translational stop signal (p.Lys95*) in the FOXL2 gene. While this is not anticipated to result in nonsense mediated decay, it is expected to disrupt the last 282 amino acid(s) of the FOXL2 protein. This variant is not present in population databases (gnomAD no frequency). This variant has not been reported in the literature in individuals affected with FOXL2-related conditions. This variant disrupts a region of the FOXL2 protein in which other variant(s) (p.Pro307Hisfs*52) have been determined to be pathogenic (PMID: 11468277). This suggests that this is a clinically significant region of the protein, and that variants that disrupt it are likely to be disease-causing. For these reasons, this variant has been classified as Pathogenic.

Literature cited by the submitters: PubMed 11468277.